The following is an entry in ClinVar:

ClinVar aggregate classification (germline): Uncertain significance (1 of 4 stars; one submission).

Conditions:
Cardiovascular phenotype. Identifiers: MedGen CN230736.

Submission:

Ambry Genetics
Classification: Uncertain significance for Cardiovascular phenotype. Last evaluated: 2023-07-03. Review status: criteria provided, single submitter. Criteria: Ambry Variant Classification Scheme 2023. Collection method: clinical testing. Allele origin: germline.
Comment: The p.K3480R variant (also known as c.10439A>G), located in coding exon 26 of the APOB gene, results from an A to G substitution at nucleotide position 10439. The lysine at codon 3480 is replaced by arginine, an amino acid with highly similar properties. This amino acid position is conserved. In addition, this alteration is predicted to be tolerated by in silico analysis. Since supporting evidence is limited at this time, the clinical significance of this alteration remains unclear.

NM_000384.3(APOB):c.10439A>G (p.Lys3480Arg)

Gene: APOB (apolipoprotein B; minus strand). Cytogenetic location: 2p24.1.
Variant type: single nucleotide variant.
Coding change: c.10439A>G on transcript NM_000384.3 (MANE Select); coding-DNA position 10439, A replaced by G.
Protein change: p.Lys3480Arg; replaces lysine 3480 with arginine.
Molecular consequence: missense variant.
Genome position (GRCh38, 1-based): chr2:21,006,429, T>C on the plus strand (A>G on the coding strand, the complement: APOB is on the minus strand). VCF-style: chr2-21006429-T-C. GRCh37 (hg19) VCF-style: chr2-21229301-T-C.
Other names: short protein forms K3480R.
Identifiers: ClinVar variation 2586176 (VCV002586176.2), dbSNP rs2465359748, ClinGen allele CA345986527.
Genomic context (GRCh38, chr2:21,006,429, plus strand): 5'-ACATCTCCTTTGGTAGATGACTCAATGGAAAAGTAAGAGGTGAGGCTTTCCAAGCTAAGC[T>C]TGTGGTCAACTGCTCCTTTAGCGGTAGAGTACAGCATTGAAGAATTGAAATCATACTTAA-3'
Protein context (NP_000375.3, residues 3470-3490): YSTAKGAVDH[Lys3480Arg]LSLESLTSYF